The following is an entry in ClinVar:

ClinVar aggregate classification (germline): Uncertain significance. Review status: criteria provided, multiple submitters, no conflicts (2 of 4 stars). 2 submissions from 2 submitters: Uncertain significance (2). Last evaluated 2025-01-08.

Conditions:
Hereditary cancer-predisposing syndrome. Also called: Hereditary Cancer Syndrome; Hereditary neoplastic syndrome; Neoplastic Syndromes, Hereditary; Tumor predisposition. Identifiers: Orphanet 140162, MedGen C0027672, MeSH D009386, MONDO:0015356.
Tuberous sclerosis syndrome (TSC). Also called: Tuberous Sclerosis Complex; Tuberous sclerosis. Identifiers: Orphanet 805, MedGen C0041341, MONDO:0001734.

Submissions (2):

Ambry Genetics
Classification: Uncertain significance for Hereditary cancer-predisposing syndrome. Last evaluated: 2025-01-08. Review status: criteria provided, single submitter. Criteria: Ambry Variant Classification Scheme 2023. Collection method: clinical testing. Allele origin: germline.
Comment: The p.V1362G variant (also known as c.4085T>G), located in coding exon 33 of the TSC2 gene, results from a T to G substitution at nucleotide position 4085. The valine at codon 1362 is replaced by glycine, an amino acid with dissimilar properties. This amino acid position is conserved. In addition, the in silico prediction for this alteration is inconclusive. Based on the available evidence, the clinical significance of this variant remains unclear.

All of Us Research Program, National Institutes of Health
Classification: Uncertain significance for Tuberous sclerosis syndrome. Last evaluated: 2024-08-06. Review status: criteria provided, single submitter. Criteria: ACMG Guidelines, 2015. Collection method: clinical testing. Allele origin: germline. Inheritance: Autosomal dominant inheritance. Observed: 1 variant allele, 1 heterozygote.
Comment: This study involves interpretation of variants in research participants for the purpose of population health screening. Participant phenotype was not available at the time of variant classification. Additional details can be found in publication PMID: 35346344, PMCID: PMC8962531

NM_000548.5(TSC2):c.4085T>G (p.Val1362Gly)

Gene: TSC2 (TSC complex subunit 2; plus strand). Cytogenetic location: 16p13.3.
Variant type: single nucleotide variant.
Coding change: c.4085T>G on transcript NM_000548.5 (MANE Select); coding-DNA position 4085, T replaced by G.
Protein change: p.Val1362Gly; replaces valine 1362 with glycine.
Molecular consequence: missense variant. On other transcripts: non-coding transcript variant (5).
Genome position (GRCh38, 1-based): chr16:2,084,307, T>G. VCF-style: chr16-2084307-T-G. GRCh37 (hg19) VCF-style: chr16-2134308-T-G.
Other names: c.3884T>G, p.Val1295Gly (NM_001077183.3); c.4016T>G, p.Val1339Gly (NM_001114382.3); c.3776T>G, p.Val1259Gly (NM_001318827.2); c.3740T>G, p.Val1247Gly (NM_001318829.2); c.3353T>G, p.Val1118Gly (NM_001318831.2); c.3917T>G, p.Val1306Gly (NM_001318832.2); c.3887T>G, p.Val1296Gly (NM_001363528.2); c.3953T>G, p.Val1318Gly (NM_001370404.1); and 26 more; short protein forms V1095G, V1096G, V1118G, V1138G, V1139G, V1142G, V1162G, V1246G.
Identifiers: ClinVar variation 3386176 (VCV003386176.2).